The following is an entry in ClinVar:

ClinVar aggregate classification (germline): Uncertain significance (1 of 4 stars; one submission).

Submission:

Labcorp Genetics (formerly Invitae), Labcorp
Classification: Uncertain significance. Last evaluated: 2023-01-20. Review status: criteria provided, single submitter. Criteria: Invitae Variant Classification Sherloc (09022015). Collection method: clinical testing. Allele origin: germline.
Comment: This sequence change replaces serine, which is neutral and polar, with phenylalanine, which is neutral and non-polar, at codon 203 of the CACNA2D4 protein (p.Ser203Phe). This variant is not present in population databases (gnomAD no frequency). This variant has not been reported in the literature in individuals affected with CACNA2D4-related conditions. Algorithms developed to predict the effect of missense changes on protein structure and function are either unavailable or do not agree on the potential impact of this missense change (SIFT: "Deleterious"; PolyPhen-2: "Possibly Damaging"; Align-GVGD: "Class C0"). In summary, the available evidence is currently insufficient to determine the role of this variant in disease. Therefore, it has been classified as a Variant of Uncertain Significance.

NM_172364.5(CACNA2D4):c.608C>T (p.Ser203Phe)

Gene: CACNA2D4 (calcium voltage-gated channel auxiliary subunit alpha2delta 4; minus strand). Cytogenetic location: 12p13.33.
Variant type: single nucleotide variant.
Coding change: c.608C>T on transcript NM_172364.5 (MANE Select); coding-DNA position 608, C replaced by T.
Protein change: p.Ser203Phe; replaces serine 203 with phenylalanine.
Molecular consequence: missense variant.
Genome position (GRCh38, 1-based): chr12:1,907,916, G>A on the plus strand (C>T on the coding strand, the complement: CACNA2D4 is on the minus strand). VCF-style: chr12-1907916-G-A. GRCh37 (hg19) VCF-style: chr12-2017082-G-A.
Other names: short protein forms S203F.
Identifiers: ClinVar variation 2830506 (VCV002830506.3), dbSNP rs1866704658, ClinGen allele CA383364225.